The following is an entry in ClinVar:

ClinVar aggregate classification (germline): Uncertain significance. Review status: criteria provided, multiple submitters, no conflicts (2 of 4 stars). 2 submissions from 2 submitters: Uncertain significance (2). Last evaluated 2025-08-30.

Conditions:
Inborn genetic diseases. Identifiers: MedGen C0950123, MeSH D030342.

Allele frequency attached by ClinVar (database versions not stated): gnomAD 0.00001.
gnomAD v4.1: 1 of 1,606,870 alleles (0.000062%); highest among the groups gnomAD compares: African/African-American, 0.0013%; no homozygotes.

Submissions (2):

Ambry Genetics
Classification: Uncertain significance for Inborn genetic diseases. Last evaluated: 2025-08-30. Review status: criteria provided, single submitter. Criteria: Ambry Variant Classification Scheme 2023. Collection method: clinical testing. Allele origin: germline.

Labcorp Genetics (formerly Invitae), Labcorp
Classification: Uncertain significance. Last evaluated: 2025-02-26. Review status: criteria provided, single submitter. Criteria: Invitae Variant Classification Sherloc (09022015). Collection method: clinical testing. Allele origin: germline.
Comment: This sequence change replaces serine, which is neutral and polar, with isoleucine, which is neutral and non-polar, at codon 1265 of the AHDC1 protein (p.Ser1265Ile). This variant is present in population databases (no rsID available, gnomAD 0.01%). This variant has not been reported in the literature in individuals affected with AHDC1-related conditions. ClinVar contains an entry for this variant (Variation ID: 2955019). An algorithm developed to predict the effect of missense changes on protein structure and function (PolyPhen-2) suggests that this variant is likely to be disruptive. In summary, the available evidence is currently insufficient to determine the role of this variant in disease. Therefore, it has been classified as a Variant of Uncertain Significance.

NM_001371928.1(AHDC1):c.3794G>T (p.Ser1265Ile)

Gene: AHDC1 (AT-hook DNA binding motif containing 1; minus strand). Cytogenetic location: 1p36.11.
Variant type: single nucleotide variant.
Coding change: c.3794G>T on transcript NM_001371928.1 (MANE Select); coding-DNA position 3794, G replaced by T.
Protein change: p.Ser1265Ile; replaces serine 1265 with isoleucine.
Molecular consequence: missense variant.
Genome position (GRCh38, 1-based): chr1:27,548,322, C>A on the plus strand (G>T on the coding strand, the complement: AHDC1 is on the minus strand). VCF-style: chr1-27548322-C-A. GRCh37 (hg19) VCF-style: chr1-27874833-C-A.
Other names: c.3794G>T, p.Ser1265Ile (NM_001029882.3); c.-250G>T (NM_015699.1); c.3794G>T (NM_001029882.2); short protein forms S1265I.
Identifiers: ClinVar variation 2955019 (VCV002955019.4), dbSNP rs1336041916, ClinGen allele CA339225176.